The following is an entry in ClinVar:

ClinVar aggregate classification (germline): Uncertain significance (1 of 4 stars; one submission).

Conditions:
Atrioventricular septal defect 5 (AVSD5). Identifiers: MedGen C3280939, MONDO:0013769, OMIM 614474.

Allele frequency attached by ClinVar (database versions not stated): gnomAD exomes below 0.00001.
gnomAD v4.1: 2 of 1,564,098 alleles (0.00013%); highest among the groups gnomAD compares: Non-Finnish European, 0.00017%; no homozygotes.

Submission:

Labcorp Genetics (formerly Invitae), Labcorp
Classification: Uncertain significance for Atrioventricular septal defect 5. Last evaluated: 2022-02-04. Review status: criteria provided, single submitter. Criteria: Invitae Variant Classification Sherloc (09022015). Collection method: clinical testing. Allele origin: germline.
Comment: This sequence change replaces glutamic acid, which is acidic and polar, with glycine, which is neutral and non-polar, at codon 386 of the GATA6 protein (p.Glu386Gly). This variant is not present in population databases (gnomAD no frequency). In summary, the available evidence is currently insufficient to determine the role of this variant in disease. Therefore, it has been classified as a Variant of Uncertain Significance. Algorithms developed to predict the effect of missense changes on protein structure and function (SIFT, PolyPhen-2, Align-GVGD) all suggest that this variant is likely to be tolerated. ClinVar contains an entry for this variant (Variation ID: 580198). This variant has not been reported in the literature in individuals affected with GATA6-related conditions.

NM_005257.6(GATA6):c.1157A>G (p.Glu386Gly)

Gene: GATA6 (GATA binding protein 6; plus strand). Cytogenetic location: 18q11.2.
Variant type: single nucleotide variant.
Coding change: c.1157A>G on transcript NM_005257.6 (MANE Select); coding-DNA position 1157, A replaced by G.
Protein change: p.Glu386Gly; replaces glutamic acid 386 with glycine.
Molecular consequence: missense variant.
Genome position (GRCh38, 1-based): chr18:22,176,976, A>G. VCF-style: chr18-22176976-A-G. GRCh37 (hg19) VCF-style: chr18-19756937-A-G.
Other names: short protein forms E386G.
Identifiers: ClinVar variation 580198 (VCV000580198.9), dbSNP rs1567995562, ClinGen allele CA401801932.